The following is an entry in ClinVar:

ClinVar aggregate classification (germline): Uncertain significance (1 of 4 stars; one submission).

Conditions:
Dilated cardiomyopathy 1G (CMD1G). Identifiers: Orphanet 154, MedGen C1858763, MONDO:0011400, OMIM 604145.
Autosomal recessive limb-girdle muscular dystrophy type 2J (LGMDR10). Also called: Limb-girdle muscular dystrophy, type 2J; MUSCULAR DYSTROPHY, LIMB-GIRDLE, AUTOSOMAL RECESSIVE 10. Identifiers: Orphanet 140922, MedGen C1837342, MONDO:0012127, OMIM 608807.

gnomAD v4.1: 1 of 1,604,658 alleles (0.000062%); highest among the groups gnomAD compares: Non-Finnish European, 0.000085%; no homozygotes.

Submission:

Labcorp Genetics (formerly Invitae), Labcorp
Classification: Uncertain significance for Dilated cardiomyopathy 1G; Autosomal recessive limb-girdle muscular dystrophy type 2J. Last evaluated: 2025-12-03. Review status: criteria provided, single submitter. Criteria: Invitae Variant Classification Sherloc (09022015). Collection method: clinical testing. Allele origin: germline.
Comment: This sequence change replaces proline, which is neutral and non-polar, with leucine, which is neutral and non-polar, at codon 31711 of the TTN protein (p.Pro31711Leu). This variant is not present in population databases (gnomAD no frequency). This variant has not been reported in the literature in individuals affected with TTN-related conditions. ClinVar contains an entry for this variant (Variation ID: 3758084). Experimental studies and prediction algorithms are not available or were not evaluated, and the functional significance of this variant is currently unknown. In summary, the available evidence is currently insufficient to determine the role of this variant in disease. Therefore, it has been classified as a Variant of Uncertain Significance.

NM_001267550.2(TTN):c.95132C>T (p.Pro31711Leu)

Genes: TTN (titin; minus strand), TTN-AS1 (TTN antisense RNA 1; plus strand). Cytogenetic location: 2q31.2.
Variant type: single nucleotide variant.
Coding change: c.95132C>T on transcript NM_001267550.2 (MANE Select); coding-DNA position 95132, C replaced by T.
Protein change: p.Pro31711Leu; replaces proline 31711 with leucine.
Molecular consequence: missense variant.
Genome position (GRCh38, 1-based): chr2:178,546,104, G>A on the plus strand (C>T on the coding strand, the complement: TTN is on the minus strand). VCF-style: chr2-178546104-G-A. GRCh37 (hg19) VCF-style: chr2-179410831-G-A.
Other names: c.90209C>T, p.Pro30070Leu (NM_001256850.1); c.67937C>T, p.Pro22646Leu (NM_003319.4); c.87428C>T, p.Pro29143Leu (NM_133378.4); c.68312C>T, p.Pro22771Leu (NM_133432.3); c.68513C>T, p.Pro22838Leu (NM_133437.4); short protein forms P22646L, P22771L, P22838L, P29143L, P30070L, P31711L.
Identifiers: ClinVar variation 3758084 (VCV003758084.2).